The following is an entry in ClinVar:

ClinVar aggregate classification (germline): Uncertain significance. Review status: criteria provided, multiple submitters, no conflicts (2 of 4 stars). 2 submissions from 2 submitters: Uncertain significance (2). Last evaluated 2025-11-13.

Submissions (2):

Labcorp Genetics (formerly Invitae), Labcorp
Classification: Uncertain significance. Last evaluated: 2025-11-13. Review status: criteria provided, single submitter. Criteria: Invitae Variant Classification Sherloc (09022015). Collection method: clinical testing. Allele origin: germline.
Comment: This sequence change creates a premature translational stop signal (p.Phe264Leufs*21) in the PCK2 gene. It is expected to result in an absent or disrupted protein product. However, the current clinical and genetic evidence is not sufficient to establish whether loss-of-function variants in PCK2 cause disease. This variant is present in population databases (rs767404769, gnomAD 0.002%). This variant has not been reported in the literature in individuals affected with PCK2-related conditions. ClinVar contains an entry for this variant (Variation ID: 423168). In summary, the available evidence is currently insufficient to determine the role of this variant in disease. Therefore, it has been classified as a Variant of Uncertain Significance.

GeneDx
Classification: Uncertain significance. Last evaluated: 2020-09-02. Review status: criteria provided, single submitter. Criteria: GeneDx Variant Classification Process June 2021. Collection method: clinical testing. Allele origin: germline. Affected: yes.
Comment: Not observed at a significant frequency in large population cohorts (Lek et al., 2016); Frameshift variant predicted to result in protein truncation or nonsense mediated decay in a gene for which loss-of-function is not a known mechanism of disease; Has not been previously published as pathogenic or benign to our knowledge

NM_004563.4(PCK2):c.792del (p.Phe264fs)

Genes: PCK2 (phosphoenolpyruvate carboxykinase 2, mitochondrial; plus strand), NRL (neural retina leucine zipper; minus strand). Cytogenetic location: 14q11.2.
Variant type: Deletion.
Coding change: c.792del on transcript NM_004563.4 (MANE Select); coding-DNA position 792, one base deleted (T; older notation c.792delT).
Protein change: p.Phe264fs; shifts the reading frame from phenylalanine 264.
Molecular consequence: frameshift variant. On other transcripts: intron variant (3).
Genome position (GRCh38, 1-based): chr14:24,099,176, T deleted; the last of 3 consecutive T bases (chr14:24,099,174-24,099,176); deleting any one gives the same sequence. VCF-style (leftmost placement, unchanged base first): chr14-24099173-CT-C. GRCh37 (hg19) VCF-style: chr14-24568382-CT-C.
Other names: c.792delT (NM_004563.2); c.792del, p.Phe264fs (NM_001018073.3); c.390del, p.Phe130fs (NM_001291556.2, NM_001308054.2); c.-28+15548del (NM_001354768.3, NM_001354770.2); c.-253-14429del (NM_006177.5); short protein forms F130fs, F264fs.
Identifiers: ClinVar variation 423168 (VCV000423168.4), dbSNP rs767404769, ClinGen allele CA7123225.